The following is an entry in ClinVar:

ClinVar aggregate classification (germline): Likely pathogenic. Review status: criteria provided, multiple submitters, no conflicts (2 of 4 stars). 3 submissions from 3 submitters: Likely pathogenic (3). Last evaluated 2025-08-04.

Conditions:
X-linked Alport syndrome (ATS1). Also called: NEPHROPATHY AND DEAFNESS, X-LINKED; COL4A5-Related Nephropathy. Identifiers: Orphanet 63, Orphanet 88917, MedGen C4746986, MONDO:0010520, OMIM 301050.

Submissions (3):

Genetic Services Laboratory, University of Chicago
Classification: Likely pathogenic. Last evaluated: 2025-08-04. Review status: criteria provided, single submitter. Criteria: ACMG Guidelines, 2015. Collection method: clinical testing. Allele origin: germline.
Comment: The c.3686G>C variant: Results in an amino acid change, p.Gly1229Ala. Affects a highly conserved glycine residue located in collagen triple helix repeat domain of the COL4A5 protein that is known to be functional. Appears to be deleterious using several in-silico pathogenicity prediction tools. Has not been described in the literature in individuals with COL4A5- related disorders. However, different pathogenic variants affecting the same amino acid residue (p.Gly1229Asp, Gly1229Ser) have been described in individuals with Alport Syndrome (PMID: 10684360, 20884774, 32939031, 28542346). Has not been described in population databases such as gnomAD v2. ClinVar contains an entry for this variant (Variation ID: 1470320). Collectively, this evidence indicates that this variant is likely pathogenic, however functional studies have not been performed to prove this conclusively.

Institute of Medical Genetics and Applied Genomics, University Hospital Tübingen
Classification: Likely pathogenic for X-linked Alport syndrome. Last evaluated: 2025-04-29. Review status: criteria provided, single submitter. Criteria: ACMG Guidelines, 2015. Collection method: clinical testing. Allele origin: germline. Inheritance: X-linked dominant inheritance. Affected: yes.

Labcorp Genetics (formerly Invitae), Labcorp
Classification: Likely pathogenic. Last evaluated: 2021-01-10. Review status: criteria provided, single submitter. Criteria: Invitae Variant Classification Sherloc (09022015). Collection method: clinical testing. Allele origin: germline.
Comment: This variant has not been reported in the literature in individuals with COL4A5-related conditions. In summary, the currently available evidence indicates that the variant is pathogenic, but additional data are needed to prove that conclusively. Therefore, this variant has been classified as Likely Pathogenic. This variant disrupts the triple helix domain of COL4A5. Glycine residues within the Gly-Xaa-Yaa repeats of the triple helix domain are required for the structure and stability of fibrillar collagens (PMID: 7695699, 8218237, 19344236). In COL4A5, missense variants at these glycine residues are significantly enriched in individuals with disease (PMID: 23720012, 27627812) compared to the general population (ExAC). Advanced modeling of protein sequence and biophysical properties (such as structural, functional, and spatial information, amino acid conservation, physicochemical variation, residue mobility, and thermodynamic stability) performed at Invitae indicates that this missense variant is expected to disrupt COL4A5 protein function. This variant is not present in population databases (ExAC no frequency). This sequence change replaces glycine with alanine at codon 1229 of the COL4A5 protein (p.Gly1229Ala). The glycine residue is highly conserved and there is a small physicochemical difference between glycine and alanine.

Literature cited by the submitters: PubMed 7695699 (cited by Labcorp Genetics (formerly Invitae), Labcorp); PubMed 8218237 (cited by Labcorp Genetics (formerly Invitae), Labcorp); PubMed 19344236 (cited by Labcorp Genetics (formerly Invitae), Labcorp); PubMed 23720012 (cited by Labcorp Genetics (formerly Invitae), Labcorp); PubMed 27627812 (cited by Labcorp Genetics (formerly Invitae), Labcorp).

NM_033380.3(COL4A5):c.3686G>C (p.Gly1229Ala)

Gene: COL4A5 (collagen type IV alpha 5 chain; plus strand). Cytogenetic location: Xq22.3.
Variant type: single nucleotide variant.
Coding change: c.3686G>C on transcript NM_033380.3 (MANE Select); coding-DNA position 3686, G replaced by C.
Protein change: p.Gly1229Ala; replaces glycine 1229 with alanine.
Molecular consequence: missense variant.
Genome position (GRCh38, 1-based): chrX:108,668,400, G>C. VCF-style: chrX-108668400-G-C. GRCh37 (hg19) VCF-style: chrX-107911630-G-C.
Other names: c.3686G>C, p.Gly1229Ala (NM_000495.5); c.3686G>C (NM_000495.4); short protein forms G1229A.
Identifiers: ClinVar variation 1470320 (VCV001470320.9), dbSNP rs104886253, ClinGen allele CA413848739.
Genomic context (GRCh38, chrX:108,668,400, plus strand): 5'-TACCTGGGATTCCAGGAAATCCTGGCCTTCCAGGTCCAAAGGGCGAACCAGGCTTTCACG[G>C]TTTCCCTGGTGTGCAGGGTCCCCCAGGCCCTCCTGGTTCTCCGGGTCCAGCTCTGGAAGG-3'
Protein context (NP_203699.1, residues 1219-1239): PGPKGEPGFH[Gly1229Ala]FPGVQGPPGP